The following continues an entry in ClinVar:

NM_000092.5(COL4A4):c.5045G>A (p.Arg1682Gln)

Gene: COL4A4. ClinVar aggregate classification (germline): Conflicting classifications of pathogenicity. Pathogenic (2); Likely pathogenic (4); Uncertain significance (8).

Submissions 11 to 15 of 15:

GeneDx
Classification: Uncertain significance. Last evaluated: 2024-02-27. Review status: criteria provided, single submitter. Criteria: GeneDx Variant Classification Process June 2021. Collection method: clinical testing. Allele origin: germline. Affected: yes.
Comment: Reported without a second variant in unrelated patients with thin basement nephropathy (PMID: 17216251, 26809805); Reported with a COL4A3 variant in unrelated families with features of Alport syndrome in published literature; some relatives heterozygous for only the COL4A4 variant presented with milder features (PMID: 27859054, 29801666, 33838161); In silico analysis supports that this missense variant has a deleterious effect on protein structure/function; This variant is associated with the following publications: (PMID: 17216251, 27859054, 26809805, 30586318, 29801666, 33838161, 37248651, 36100708)

Greenwood Genetic Center Diagnostic Laboratories, Greenwood Genetic Center
Classification: Uncertain significance. Last evaluated: 2020-11-25. Review status: criteria provided, single submitter. Criteria: ACMG Guidelines, 2015. Collection method: clinical testing. Allele origin: germline. Affected: yes.
Comment: PP3

Athena Diagnostics
Classification: Uncertain significance. Last evaluated: 2017-06-07. Review status: criteria provided, single submitter. Criteria: Athena Diagnostics Criteria. Collection method: clinical testing. Allele origin: germline.

Clinical Genetics Service, Universitary Hospital 12 de Octubre
Classification: Likely pathogenic for Hematuria, benign familial, 1. Review status: criteria provided, single submitter. Criteria: ACMG Guidelines, 2015. Collection method: clinical testing. Allele origin: maternal. Affected: yes.

Gharavi Laboratory, Columbia University
Classification: Likely pathogenic. Last evaluated: 2018-09-16. Review status: no assertion criteria provided. Criteria: ACMG Guidelines, 2015. Collection method: research. Allele origin: germline. Affected: yes. Not counted in ClinVar's aggregate classification.

Literature cited by the submitters: PubMed 21897443 (cited by 3billion and Labcorp Genetics (formerly Invitae), Labcorp); PubMed 17216251 (cited by 4 submitters); PubMed 26809805 (cited by 3 submitters); PubMed 27859054 (cited by 4 submitters); PubMed 24046192 (cited by Victorian Clinical Genetics Services, Murdoch Childrens Research Institute); PubMed 16467446 (cited by Victorian Clinical Genetics Services, Murdoch Childrens Research Institute); PubMed 29801666 (cited by Victorian Clinical Genetics Services, Murdoch Childrens Research Institute and Ambry Genetics); PubMed 33854215 (cited by Victorian Clinical Genetics Services, Murdoch Childrens Research Institute); PubMed 12028435 (cited by Victorian Clinical Genetics Services, Murdoch Childrens Research Institute); PubMed 38790222 (cited by Victorian Clinical Genetics Services, Murdoch Childrens Research Institute and Ambry Genetics); PubMed 28704582 (cited by Victorian Clinical Genetics Services, Murdoch Childrens Research Institute); PubMed 17942953 (cited by Victorian Clinical Genetics Services, Murdoch Childrens Research Institute); PubMed 35759000 (cited by Victorian Clinical Genetics Services, Murdoch Childrens Research Institute); PubMed 34993602 (cited by Victorian Clinical Genetics Services, Murdoch Childrens Research Institute and Ambry Genetics); PubMed 36292665 (cited by Victorian Clinical Genetics Services, Murdoch Childrens Research Institute); PubMed 30586318 (cited by Ambry Genetics); PubMed 33838161 (cited by Ambry Genetics); PubMed 36100708 (cited by Ambry Genetics); PubMed 37248651 (cited by Ambry Genetics); DOI 10.1038/gim.2015.30 (cited by Department of Clinical Genetics, Medical University of Lodz).